The following is an entry in ClinVar:

ClinVar aggregate classification (germline): Benign (0 of 4 stars; one submission).

Conditions:
MARCHF10-related disorder. Also called: MARCHF10-related condition.

Allele frequency attached by ClinVar (database versions not stated): 1000 Genomes Project 0.27196; 1000 Genomes Project 30x 0.27780; TOPMed 0.31468; ESP Exome Variant Server 0.32339.
gnomAD v4.1: 606,026 of 1,613,754 alleles (38%); highest among the groups gnomAD compares: Admixed American, 40%; 117,196 homozygotes.

Submission:

PreventionGenetics, part of Exact Sciences
Classification: Benign for MARCHF10-related condition. Last evaluated: 2019-10-17. Review status: no assertion criteria provided. Collection method: clinical testing. Allele origin: germline.
Comment: This variant is classified as benign based on ACMG/AMP sequence variant interpretation guidelines (Richards et al. 2015 PMID: 25741868, with internal and published modifications).

NM_152598.4(MARCHF10):c.956T>C (p.Phe319Ser)

Genes: MARCHF10 (membrane associated ring-CH-type finger 10; minus strand), MARCHF10-AS1 (MARCHF10 antisense RNA 1; plus strand). Cytogenetic location: 17q23.2.
Variant type: single nucleotide variant.
Coding change: c.956T>C on transcript NM_152598.4 (MANE Select); coding-DNA position 956, T replaced by C.
Protein change: p.Phe319Ser; replaces phenylalanine 319 with serine.
Molecular consequence: missense variant. On other transcripts: non-coding transcript variant (1).
Genome position (GRCh38, 1-based): chr17:62,736,912, A>G on the plus strand (T>C on the coding strand, the complement: MARCHF10 is on the minus strand). VCF-style: chr17-62736912-A-G. GRCh37 (hg19) VCF-style: chr17-60814273-A-G.
Other names: c.956T>C, p.Phe319Ser (NM_001100875.3); c.1070T>C, p.Phe357Ser (NM_001288779.2); c.953T>C, p.Phe318Ser (NM_001288780.2); short protein forms F318S, F319S, F357S.
Identifiers: ClinVar variation 3059595 (VCV003059595.2), dbSNP rs9891498, ClinGen allele CA8696885.